The following is an entry in ClinVar:

ClinVar aggregate classification (germline): Uncertain significance. Review status: criteria provided, multiple submitters, no conflicts (2 of 4 stars). 2 submissions from 2 submitters: Uncertain significance (2). Last evaluated 2026-02-13.

Conditions:
Hereditary cancer-predisposing syndrome. Also called: Neoplastic Syndromes, Hereditary; Tumor predisposition; Hereditary neoplastic syndrome; Hereditary Cancer Syndrome. Identifiers: Orphanet 140162, MedGen C0027672, MeSH D009386, MONDO:0015356.
Familial cancer of breast. Also called: BREAST CANCER, FAMILIAL; hereditary breast carcinoma; Hereditary breast cancer. Identifiers: Orphanet 227535, MedGen C0346153, MONDO:0016419, OMIM 114480. Disease mechanism: loss of function.

Submissions (2):

Ambry Genetics
Classification: Uncertain significance for Hereditary cancer-predisposing syndrome. Last evaluated: 2026-02-13. Review status: criteria provided, single submitter. Criteria: Ambry Variant Classification Scheme 2023. Collection method: clinical testing. Allele origin: germline.
Comment: The p.C420W variant (also known as c.1260C>G) is located in coding exon 11 of the CHEK2 gene. The cysteine at codon 420 is replaced by tryptophan, an amino acid with highly dissimilar properties. This change occurs in the first base pair of coding exon 11. This amino acid position is highly conserved in available vertebrate species. In addition, the in silico prediction for this alteration is inconclusive. Based on the available evidence, the clinical significance of this variant remains unclear.

Labcorp Genetics (formerly Invitae), Labcorp
Classification: Uncertain significance for Familial cancer of breast. Last evaluated: 2023-06-30. Review status: criteria provided, single submitter. Criteria: Invitae Variant Classification Sherloc (09022015). Collection method: clinical testing. Allele origin: germline.
Comment: This variant is not present in population databases (gnomAD no frequency). This sequence change replaces cysteine, which is neutral and slightly polar, with tryptophan, which is neutral and slightly polar, at codon 420 of the CHEK2 protein (p.Cys420Trp). This variant has not been reported in the literature in individuals affected with CHEK2-related conditions. In summary, the available evidence is currently insufficient to determine the role of this variant in disease. Therefore, it has been classified as a Variant of Uncertain Significance. An algorithm developed to predict the effect of missense changes on protein structure and function (PolyPhen-2) suggests that this variant is likely to be disruptive. ClinVar contains an entry for this variant (Variation ID: 410037).

NM_007194.4(CHEK2):c.1260C>G (p.Cys420Trp)

Gene: CHEK2 (checkpoint kinase 2; minus strand). Cytogenetic location: 22q12.1.
Variant type: single nucleotide variant.
Coding change: c.1260C>G on transcript NM_007194.4 (MANE Select); coding-DNA position 1260, C replaced by G.
Protein change: p.Cys420Trp; replaces cysteine 420 with tryptophan.
Molecular consequence: missense variant.
Genome position (GRCh38, 1-based): chr22:28,695,242, G>C on the plus strand (C>G on the coding strand, the complement: CHEK2 is on the minus strand). VCF-style: chr22-28695242-G-C. GRCh37 (hg19) VCF-style: chr22-29091230-G-C.
Other names: c.1389C>G, p.Cys463Trp (NM_001005735.3); c.597C>G, p.Cys199Trp (NM_001257387.3); c.1059C>G, p.Cys353Trp (NM_001349956.3); c.1173C>G, p.Cys391Trp (NM_145862.3); short protein forms C420W, C199W, C391W, C353W, C463W.
Identifiers: ClinVar variation 410037 (VCV000410037.10), dbSNP rs762205611, ClinGen allele CA16616314.